The following is an entry in ClinVar:

NM_001382241.1(TNPO2):c.2324C>T (p.Ser775Phe)

Genes: TNPO2 (transportin 2; minus strand), LOC126862859 (CDK7 strongly-dependent group 2 enhancer GRCh37_chr19:12811952-12813151; plus strand). Cytogenetic location: 19p13.13.
Variant type: single nucleotide variant.
Coding change: c.2324C>T on transcript NM_001382241.1 (MANE Select); coding-DNA position 2324, C replaced by T.
Protein change: p.Ser775Phe; replaces serine 775 with phenylalanine.
Molecular consequence: missense variant. On other transcripts: non-coding transcript variant (2), intron variant (7).
Genome position (GRCh38, 1-based): chr19:12,702,159, G>A on the plus strand (C>T on the coding strand, the complement: TNPO2 is on the minus strand). VCF-style: chr19-12702159-G-A. GRCh37 (hg19) VCF-style: chr19-12812973-G-A.
Other names: c.2324C>T, p.Ser775Phe (NM_001136196.2, NM_001382240.1, NM_001382242.1); c.2306-12C>T (NM_001382237.1, NM_001382238.1, NM_001382236.1 and 3 more transcripts); c.2300-12C>T (NM_001382243.1); short protein forms S775F.
Identifiers: ClinVar variation 4633352 (VCV004633352.1).

ClinVar aggregate classification (germline): Uncertain significance (1 of 4 stars; one submission).

Conditions:
Inborn genetic diseases. Identifiers: MedGen C0950123, MeSH D030342.

gnomAD v4.1: 6 of 1,613,314 alleles (0.00037%); highest among the groups gnomAD compares: Non-Finnish European, 0.000085%; no homozygotes.

Submission:

Ambry Genetics
Classification: Uncertain significance for Inborn genetic diseases. Last evaluated: 2025-10-06. Review status: criteria provided, single submitter. Criteria: Ambry Variant Classification Scheme 2023. Collection method: clinical testing. Allele origin: germline.
Comment: The c.2324C>T (p.S775F) alteration is located in exon 21 (coding exon 20) of the TNPO2 gene. This alteration results from a C to T substitution at nucleotide position 2324, causing the serine (S) at amino acid position 775 to be replaced by a phenylalanine (F). Based on data from gnomAD, the T allele has an overall frequency of <0.001% (1/247220) total alleles studied. The highest observed frequency was <0.001% (/) of alleles. Based on insufficient or conflicting evidence, the clinical significance of this alteration remains unclear.